The following is an entry in ClinVar:

ClinVar aggregate classification (germline): Pathogenic. Review status: criteria provided, multiple submitters, no conflicts (2 of 4 stars). 2 submissions from 2 submitters: Pathogenic (2). Last evaluated 2026-08-06.

Conditions:
Paediatric disorders.

Submissions (2):

NHS Central & South Genomic Laboratory Hub
Classification: Pathogenic for Paediatric disorders. Last evaluated: 2026-08-06. Review status: criteria provided, single submitter. Criteria: ACMG Guidelines, 2015. Collection method: clinical testing. Allele origin: germline. Affected: yes.

Labcorp Genetics (formerly Invitae), Labcorp
Classification: Pathogenic. Last evaluated: 2022-03-14. Review status: criteria provided, single submitter. Criteria: Invitae Variant Classification Sherloc (09022015). Collection method: clinical testing. Allele origin: germline.
Comment: For these reasons, this variant has been classified as Pathogenic. This variant has not been reported in the literature in individuals affected with MPDZ-related conditions. This variant is present in population databases (rs763492773, gnomAD 0.007%). This sequence change creates a premature translational stop signal (p.Ser1115Phefs*20) in the MPDZ gene. It is expected to result in an absent or disrupted protein product. Loss-of-function variants in MPDZ are known to be pathogenic (PMID: 23240096, 28556411).

Literature cited by the submitters: PubMed 23240096 (cited by Labcorp Genetics (formerly Invitae), Labcorp); PubMed 28556411 (cited by Labcorp Genetics (formerly Invitae), Labcorp).

NM_001378778.1(MPDZ):c.3343dup (p.Ser1115fs)

Gene: MPDZ (multiple PDZ domain crumbs cell polarity complex component; minus strand). Cytogenetic location: 9p23.
Variant type: Duplication.
Coding change: c.3343dup on transcript NM_001378778.1 (MANE Select); coding-DNA position 3343, one base duplicated (T; older notation c.3343dupT).
Protein change: p.Ser1115fs; shifts the reading frame from serine 1115.
Molecular consequence: frameshift variant. On other transcripts: intron variant (1).
Genome position (GRCh38, 1-based): chr9:13,162,707, A duplicated on the plus strand (T on the coding strand, the reverse complement: MPDZ is on the minus strand); the first of 6 consecutive A bases (chr9:13,162,707-13,162,712); duplicating any one gives the same sequence. VCF-style (leftmost placement, unchanged base first): chr9-13162706-G-GA. GRCh37 (hg19) VCF-style: chr9-13162705-G-GA.
Other names: c.3343dup, p.Ser1115fs (NM_001261406.2, NM_001261407.2, NM_001330637.2 and 13 more transcripts); c.3254+5659dup (NM_001375427.1); short protein forms S1115fs.
Identifiers: ClinVar variation 1959982 (VCV001959982.6), dbSNP rs763492773, ClinGen allele CA4987164.